The following is an entry in ClinVar:

ClinVar aggregate classification (germline): Uncertain significance (1 of 4 stars; one submission).

Conditions:
Pontocerebellar hypoplasia type 7. Identifiers: Orphanet 284339, MedGen C3554226, MONDO:0013993, OMIM 614969.

gnomAD v4.1: 3 of 1,614,160 alleles (0.00019%); highest among the groups gnomAD compares: South Asian, 0.0022%; no homozygotes.

Submission:

Neuberg Centre For Genomic Medicine, NCGM
Classification: Uncertain significance for Pontocerebellar hypoplasia type 7. Last evaluated: 2023-05-20. Review status: criteria provided, single submitter. Criteria: ACMG Guidelines, 2015. Collection method: clinical testing. Allele origin: germline. Inheritance: Autosomal recessive inheritance. Affected: yes.
Comment: The observed missense c.581T>A(p.Ile194Lys) variant in TOE1 gene has not been reported previously as a pathogenic variant nor a benign variant, to our knowledge. The p.Ile194Lys variant has been reported with allele frequency of 0.0004% in gnomAD Exomes. This variant has not been submitted to the ClinVar database. Multiple lines of computational evidences (Polyphen - Probably damaging, SIFT - Damaging and MutationTaster - Disease causing) predict a damaging effect on protein structure and function for this variant. The reference amino acid is predicted as conserved by GERP++ and PhyloP across 100 vertebrates. The amino acid Ile at position 194 is changed to a Lys changing protein sequence and it might alter its composition and physico-chemical properties. For these reasons, this variant has been classified as a Variant of Uncertain Significance (VUS).

NM_025077.4(TOE1):c.581T>A (p.Ile194Lys)

Gene: TOE1 (target of EGR1, exonuclease; plus strand). Cytogenetic location: 1p34.1.
Variant type: single nucleotide variant.
Coding change: c.581T>A on transcript NM_025077.4 (MANE Select); coding-DNA position 581, T replaced by A.
Protein change: p.Ile194Lys; replaces isoleucine 194 with lysine.
Molecular consequence: missense variant.
Genome position (GRCh38, 1-based): chr1:45,342,472, T>A. VCF-style: chr1-45342472-T-A. GRCh37 (hg19) VCF-style: chr1-45808144-T-A.
Other names: short protein forms I194K.
Identifiers: ClinVar variation 3367004 (VCV003367004.1).